The following is an entry in ClinVar:

NM_032217.5(ANKRD17):c.4862G>A (p.Ser1621Asn)

Gene: ANKRD17 (ankyrin repeat domain 17; minus strand). Cytogenetic location: 4q13.3.
Variant type: single nucleotide variant.
Coding change: c.4862G>A on transcript NM_032217.5 (MANE Select); coding-DNA position 4862, G replaced by A.
Protein change: p.Ser1621Asn; replaces serine 1621 with asparagine.
Molecular consequence: missense variant.
Genome position (GRCh38, 1-based): chr4:73,098,232, C>T on the plus strand (G>A on the coding strand, the complement: ANKRD17 is on the minus strand). VCF-style: chr4-73098232-C-T. GRCh37 (hg19) VCF-style: chr4-73963949-C-T.
Other names: c.4523G>A, p.Ser1508Asn (NM_001286771.3); c.4859G>A, p.Ser1620Asn (NM_015574.2); c.4109G>A, p.Ser1370Asn (NM_198889.3); short protein forms S1370N, S1508N, S1620N, S1621N.
Identifiers: ClinVar variation 2365799 (VCV002365799.2), dbSNP rs2530248925, ClinGen allele CA357201953.

ClinVar aggregate classification (germline): Uncertain significance (1 of 4 stars; one submission).

Conditions:
Inborn genetic diseases. Identifiers: MedGen C0950123, MeSH D030342.

Submission:

Ambry Genetics
Classification: Uncertain significance for Inborn genetic diseases. Last evaluated: 2022-02-25. Review status: criteria provided, single submitter. Criteria: Ambry Variant Classification Scheme 2023. Collection method: clinical testing. Allele origin: germline.
Comment: The c.4862G>A (p.S1621N) alteration is located in exon 26 (coding exon 26) of the ANKRD17 gene. This alteration results from a G to A substitution at nucleotide position 4862, causing the serine (S) at amino acid position 1621 to be replaced by an asparagine (N). This variant was not reported in population-based cohorts in the Genome Aggregation Database (gnomAD). This amino acid position is highly conserved in available vertebrate species. This alteration is predicted to be tolerated by in silico analysis. Based on insufficient or conflicting evidence, the clinical significance of this alteration remains unclear.